The following is an entry in ClinVar:

NM_020800.3(IFT80):c.1954A>T (p.Ile652Leu)

Genes: TRIM59-IFT80 (TRIM59-IFT80 readthrough (NMD candidate); minus strand), IFT80 (intraflagellar transport 80; minus strand). Cytogenetic location: 3q25.33.
Variant type: single nucleotide variant.
Coding change: c.1954A>T on transcript NM_020800.3 (MANE Select); coding-DNA position 1954, A replaced by T.
Protein change: p.Ile652Leu; replaces isoleucine 652 with leucine.
Molecular consequence: missense variant. On other transcripts: non-coding transcript variant (3).
Genome position (GRCh38, 1-based): chr3:160,277,451, T>A on the plus strand (A>T on the coding strand, the complement: IFT80 is on the minus strand). VCF-style: chr3-160277451-T-A. GRCh37 (hg19) VCF-style: chr3-159995239-T-A.
Other names: c.1543A>T, p.Ile515Leu (NM_001190241.2, NM_001190242.2); short protein forms I515L, I652L.
Identifiers: ClinVar variation 2185607 (VCV002185607.4), dbSNP rs779103873, ClinGen allele CA355190439.

ClinVar aggregate classification (germline): Uncertain significance (1 of 4 stars; one submission).

Conditions:
Jeune thoracic dystrophy. Also called: Jeune syndrome; Infantile thoracic dystrophy; Thoracic pelvic phalangeal dystrophy; Jeune's syndrome; Chondroectodermal dysplasia-like syndrome; Short-rib thoracic dysplasia. Identifiers: Orphanet 474, MedGen C0265275, MONDO:0018770.

Submission:

Labcorp Genetics (formerly Invitae), Labcorp
Classification: Uncertain significance for Jeune thoracic dystrophy. Last evaluated: 2022-02-11. Review status: criteria provided, single submitter. Criteria: Invitae Variant Classification Sherloc (09022015). Collection method: clinical testing. Allele origin: germline.
Comment: In summary, the available evidence is currently insufficient to determine the role of this variant in disease. Therefore, it has been classified as a Variant of Uncertain Significance. Algorithms developed to predict the effect of missense changes on protein structure and function (SIFT, PolyPhen-2, Align-GVGD) all suggest that this variant is likely to be tolerated. This variant has not been reported in the literature in individuals affected with IFT80-related conditions. This variant is not present in population databases (gnomAD no frequency). This sequence change replaces isoleucine, which is neutral and non-polar, with leucine, which is neutral and non-polar, at codon 652 of the IFT80 protein (p.Ile652Leu).